The following is an entry in ClinVar:

NM_153676.4(USH1C):c.2375G>C (p.Arg792Pro)

Gene: USH1C (USH1 protein network component harmonin; minus strand). Cytogenetic location: 11p15.1.
Variant type: single nucleotide variant.
Coding change: c.2375G>C on transcript NM_153676.4 (MANE Select); coding-DNA position 2375, G replaced by C.
Protein change: p.Arg792Pro; replaces arginine 792 with proline.
Molecular consequence: missense variant. On other transcripts: non-coding transcript variant (1).
Genome position (GRCh38, 1-based): chr11:17,501,056, C>G on the plus strand (G>C on the coding strand, the complement: USH1C is on the minus strand). VCF-style: chr11-17501056-C-G. GRCh37 (hg19) VCF-style: chr11-17522603-C-G.
Other names: c.1418G>C, p.Arg473Pro (NM_001297764.2); c.1475G>C, p.Arg492Pro (NM_005709.4); short protein forms R473P, R792P, R492P.
Identifiers: ClinVar variation 952789 (VCV000952789.7), dbSNP rs563952065, ClinGen allele CA379802894.

ClinVar aggregate classification (germline): Uncertain significance (1 of 4 stars; one submission).

Submission:

Labcorp Genetics (formerly Invitae), Labcorp
Classification: Uncertain significance. Last evaluated: 2022-03-04. Review status: criteria provided, single submitter. Criteria: Invitae Variant Classification Sherloc (09022015). Collection method: clinical testing. Allele origin: germline.
Comment: This sequence change replaces arginine, which is basic and polar, with proline, which is neutral and non-polar, at codon 492 of the USH1C protein (p.Arg492Pro). This variant is not present in population databases (gnomAD no frequency). This variant has not been reported in the literature in individuals affected with USH1C-related conditions. ClinVar contains an entry for this variant (Variation ID: 952789). Algorithms developed to predict the effect of missense changes on protein structure and function are either unavailable or do not agree on the potential impact of this missense change (SIFT: "Deleterious"; PolyPhen-2: "Possibly Damaging"; Align-GVGD: "Class C0"). In summary, the available evidence is currently insufficient to determine the role of this variant in disease. Therefore, it has been classified as a Variant of Uncertain Significance.